The following is an entry in ClinVar:

ClinVar aggregate classification (germline): Uncertain significance (1 of 4 stars; one submission).

Conditions:
Primary ciliary dyskinesia. Also called: Ciliary dyskinesia. Identifiers: Orphanet 244, MedGen C0008780, MONDO:0016575, HP:0012265.

gnomAD v4.1: 12 of 1,605,738 alleles (0.00075%); highest among the groups gnomAD compares: Non-Finnish European, 0.001%; no homozygotes.

Submission:

Ambry Genetics
Classification: Uncertain significance for Primary ciliary dyskinesia. Last evaluated: 2026-07-21. Review status: criteria provided, single submitter. Criteria: Ambry Variant Classification Scheme 2023. Collection method: clinical testing. Allele origin: germline.
Comment: The p.R340T variant (also known as c.1019G>C), located in coding exon 6 of the DNAH11 gene, results from a G to C substitution at nucleotide position 1019. The arginine at codon 340 is replaced by threonine, an amino acid with similar properties. This amino acid position is conserved. In addition, this alteration is predicted to be tolerated by in silico analysis. Based on the available evidence, the clinical significance of this variant remains unclear.

NM_001277115.2(DNAH11):c.1019G>C (p.Arg340Thr)

Gene: DNAH11 (dynein axonemal heavy chain 11; plus strand). Cytogenetic location: 7p15.3.
Variant type: single nucleotide variant.
Coding change: c.1019G>C on transcript NM_001277115.2 (MANE Select); coding-DNA position 1019, G replaced by C.
Protein change: p.Arg340Thr; replaces arginine 340 with threonine.
Molecular consequence: missense variant.
Genome position (GRCh38, 1-based): chr7:21,564,222, G>C. VCF-style: chr7-21564222-G-C. GRCh37 (hg19) VCF-style: chr7-21603840-G-C.
Other names: short protein forms R340T.
Identifiers: ClinVar variation 5035436 (VCV005035436.1).